The following is an entry in ClinVar:

NM_080425.4(GNAS):c.257G>A (p.Arg86Lys)

Gene: GNAS (GNAS complex locus; plus strand). Cytogenetic location: 20q13.32.
Variant type: single nucleotide variant.
Coding change: c.257G>A on transcript NM_080425.4 (MANE Plus Clinical); coding-DNA position 257, G replaced by A.
Protein change: p.Arg86Lys; replaces arginine 86 with lysine.
Molecular consequence: missense variant. On other transcripts: intron variant (3).
Genome position (GRCh38, 1-based): chr20:58,853,522, G>A. VCF-style: chr20-58853522-G-A. GRCh37 (hg19) VCF-style: chr20-57428577-G-A.
Other names: c.70G>A, p.Gly24Arg (NM_001077490.3, NM_001309883.1); c.257G>A, p.Arg86Lys (NM_001410913.1); c.*42+12636G>A (NM_016592.5); c.43+12636G>A (NM_001410912.1); c.-39+11647G>A (NM_001309861.2); short protein forms G24R, R86K.
Identifiers: ClinVar variation 5001958 (VCV005001958.1).
Genomic context (GRCh38, chr20:58,853,522, plus strand): 5'-AGGCCTGTGGACCCCCAGAGGTCTCCAGACCCAACTTTCAGGTCCTCAACCCGGCATTCA[G>A]GGAAGCTGGAGCCCATGGAAGCTACAGCCCACCTCCTGAGGAAGCAATGCCCTTCGAGGC-3'
Protein context (NP_536350.2, residues 76-96): PNFQVLNPAF[Arg86Lys]EAGAHGSYSP

ClinVar aggregate classification (germline): Uncertain significance (1 of 4 stars; one submission).

Conditions:
GNAS-related disorder. Identifiers: MedGen CN380105.

Submission:

PreventionGenetics, part of Exact Sciences
Classification: Uncertain significance for GNAS-related condition. Last evaluated: 2025-01-09. Review status: criteria provided, single submitter. Criteria: ACMG Guidelines, 2015. Collection method: clinical testing. Allele origin: germline.
Comment: The GNAS c.257G>A variant is predicted to result in the amino acid substitution p.Arg86Lys. To our knowledge, this variant has not been reported in the literature or in a large population database (gnomAD), indicating this variant is rare. At this time, the clinical significance of this variant is uncertain due to the absence of conclusive functional and genetic evidence.